The following is an entry in ClinVar:

NM_130384.3(ATRIP):c.1745+5_1745+6insTTTTTTTTTTTTTTTTTTTTNNNNNNNNNNTCGTGATCCGCCCGCCTCGGCCTTCCAAAGTGCTGGGATTACAGGCGTGAGCCACCGCGCCCGGCCCTTGCCCAGGTATT

Genes: ATRIP (ATR interacting protein; plus strand), ATRIP-TREX1 (ATRIP-TREX1 readthrough; plus strand). Cytogenetic location: 3p21.31.
Variant type: Insertion.
Coding change: c.1745+5_1745+6insTTTTTTTTTTTTTTTTTTTTNNNNNNNNNNTCGTGATCCGCCCGCCTCGGCCTTCCAAAGTGCTGGGATTACAGGCGTGAGCCACCGCGCCCGGCCCTTGCCCAGGTATT on transcript NM_130384.3 (MANE Select); bases 5 to 6 of the intron after coding-DNA position 1745, TTTTTTTTTTTTTTTTTTTTNNNNNNNNNNTCGTGATCCGCCCGCCTCGGCCTTCCAAAGTGCTGGGATTACAGGCGTGAGCCACCGCGCCCGGCCCTTGCCCAGGTATT inserted.
Molecular consequence: splice donor variant.
Genome position: GRCh38: chr3:48,460,804-48,460,805. GRCh37 (hg19): chr3:48,502,203-48,502,204.
Other names: c.1745+5_1745+6insTTTTTTTTTTTTTTTTTTTTNNNNNNNNNNTCGTGATCCGCCCGCCTCGGCCTTCCAAAGTGCTGGGATTACAGGCGTGAGCCACCGCGCCCGGCCCTTGCCCAGGTATT (NM_032166.4); c.1364+5_1364+6insTTTTTTTTTTTTTTTTTTTTNNNNNNNNNNTCGTGATCCGCCCGCCTCGGCCTTCCAAAGTGCTGGGATTACAGGCGTGAGCCACCGCGCCCGGCCCTTGCCCAGGTATT (NM_001271022.2); c.1466+5_1466+6insTTTTTTTTTTTTTTTTTTTTNNNNNNNNNNTCGTGATCCGCCCGCCTCGGCCTTCCAAAGTGCTGGGATTACAGGCGTGAGCCACCGCGCCCGGCCCTTGCCCAGGTATT (NM_001271023.2).
Identifiers: ClinVar variation 2758706 (VCV002758706.3), dbSNP rs2529991432.

ClinVar aggregate classification (germline): Uncertain significance (1 of 4 stars; one submission).

Submission:

Labcorp Genetics (formerly Invitae), Labcorp
Classification: Uncertain significance. Last evaluated: 2023-09-07. Review status: criteria provided, single submitter. Criteria: Invitae Variant Classification Sherloc (09022015). Collection method: clinical testing. Allele origin: germline.
Comment: In summary, the available evidence is currently insufficient to determine the role of this variant in disease. Therefore, it has been classified as a Variant of Uncertain Significance. Variants that disrupt the consensus splice site are a relatively common cause of aberrant splicing (PMID: 17576681, 9536098). Experimental studies and prediction algorithms are not available or were not evaluated, and the effect of this variant on mRNA splicing is currently unknown. This variant has not been reported in the literature in individuals affected with ATRIP-related conditions. This variant is not present in population databases (gnomAD no frequency). This sequence change falls in intron 8 of the ATRIP gene. It does not directly change the encoded amino acid sequence of the ATRIP protein. It affects a nucleotide within the consensus splice site.

Literature cited by the submitters: PubMed 17576681; PubMed 9536098.